The following is an entry in ClinVar:

ClinVar aggregate classification (germline): Uncertain significance. Review status: criteria provided, multiple submitters, no conflicts (2 of 4 stars). 2 submissions from 2 submitters: Uncertain significance (2). Last evaluated 2026-07-09.

Conditions:
Congenital myasthenic syndrome 20. Also called: Myasthenic syndrome, congenital, 20, presynaptic. Identifiers: MedGen C4310694, MONDO:0014939, OMIM 617143.
Neuronopathy, distal hereditary motor, type 7A. Also called: Neuronopathy, distal hereditary motor, type viia; NEURONOPATHY, DISTAL HEREDITARY MOTOR, HARDING TYPE VIIA; NEUROPATHY, DISTAL HEREDITARY MOTOR, HARDING TYPE VIIA; Neuronopathy, distal hereditary motor, autosomal dominant 7; SPINAL MUSCULAR ATROPHY, DISTAL, WITH VOCAL CORD PARALYSIS; HARPER-YOUNG MYOPATHY. Identifiers: Orphanet 139589, MedGen C1834703, MONDO:0008024, OMIM 158580.
SLC5A7-related disorder. Also called: SLC5A7-related condition.

Allele frequency attached by ClinVar (database versions not stated): gnomAD exomes below 0.00001 and 0.00001; TOPMed below 0.00001; ExAC 0.00001.
gnomAD v4.1: 5 of 1,614,186 alleles (0.00031%); highest among the groups gnomAD compares: Middle Eastern, 0.017%; no homozygotes.

Submissions (2):

PreventionGenetics, part of Exact Sciences
Classification: Uncertain significance for SLC5A7-related condition. Last evaluated: 2026-07-09. Review status: criteria provided, single submitter. Criteria: ACMG Guidelines, 2015. Collection method: clinical testing. Allele origin: germline.
Comment: The SLC5A7 c.704C>G variant is predicted to result in the amino acid substitution p.Ser235Cys. To our knowledge, this variant has not been reported in the literature. This variant is reported in 0.0062% of alleles in individuals of African descent in gnomAD. At this time, the clinical significance of this variant is uncertain due to the absence of conclusive functional and genetic evidence.

Labcorp Genetics (formerly Invitae), Labcorp
Classification: Uncertain significance for Neuronopathy, distal hereditary motor, type 7A; Congenital myasthenic syndrome 20. Last evaluated: 2021-01-25. Review status: criteria provided, single submitter. Criteria: Invitae Variant Classification Sherloc (09022015). Collection method: clinical testing. Allele origin: germline.
Comment: This sequence change replaces serine with cysteine at codon 235 of the SLC5A7 protein (p.Ser235Cys). The serine residue is weakly conserved and there is a moderate physicochemical difference between serine and cysteine. This variant is present in population databases (rs755576066, ExAC 0.01%). This variant has not been reported in the literature in individuals with SLC5A7-related conditions. Algorithms developed to predict the effect of missense changes on protein structure and function are either unavailable or do not agree on the potential impact of this missense change (SIFT: "Tolerated"; PolyPhen-2: "Possibly Damaging"; Align-GVGD: "Class C0"). In summary, the available evidence is currently insufficient to determine the role of this variant in disease. Therefore, it has been classified as a Variant of Uncertain Significance.

NM_021815.5(SLC5A7):c.704C>G (p.Ser235Cys)

Gene: SLC5A7 (solute carrier family 5 member 7; plus strand). Cytogenetic location: 2q12.3.
Variant type: single nucleotide variant.
Coding change: c.704C>G on transcript NM_021815.5 (MANE Select); coding-DNA position 704, C replaced by G.
Protein change: p.Ser235Cys; replaces serine 235 with cysteine.
Molecular consequence: missense variant. On other transcripts: 5 prime UTR variant (1).
Genome position (GRCh38, 1-based): chr2:108,002,003, C>G. VCF-style: chr2-108002003-C-G. GRCh37 (hg19) VCF-style: chr2-108618459-C-G.
Other names: c.704C>G, p.Ser235Cys (NM_001305005.3); c.389C>G, p.Ser130Cys (NM_001305006.3); c.-38C>G (NM_001305007.3); c.704C>G (NM_021815.4); short protein forms S235C, S130C.
Identifiers: ClinVar variation 1482661 (VCV001482661.9), dbSNP rs755576066, ClinGen allele CA1819030.
Genomic context (GRCh38, chr2:108,002,003, plus strand): 5'-TCGGGTTCACTGCTGTGCATGCCAAATACCAAAAGCCGTGGCTGGGAACTGTTGACTCAT[C>G]TGAAGTCTACTCTTGGCTTGATAGTTTTCTGTTGTTGGTAAGTAATGCTCTTACCTGAAG-3'
Protein context (NP_068587.1, residues 225-245): QKPWLGTVDS[Ser235Cys]EVYSWLDSFL